The following is an entry in ClinVar:

NM_004168.4(SDHA):c.791T>G (p.Phe264Cys)

Gene: SDHA (succinate dehydrogenase complex flavoprotein subunit A; plus strand). Cytogenetic location: 5p15.33.
Variant type: single nucleotide variant.
Coding change: c.791T>G on transcript NM_004168.4 (MANE Select); coding-DNA position 791, T replaced by G.
Protein change: p.Phe264Cys; replaces phenylalanine 264 with cysteine.
Molecular consequence: missense variant.
Genome position (GRCh38, 1-based): chr5:230,896, T>G. VCF-style: chr5-230896-T-G. GRCh37 (hg19) VCF-style: chr5-231011-T-G.
Other names: c.647T>G, p.Phe216Cys (NM_001294332.2); c.791T>G, p.Phe264Cys (NM_001330758.2); short protein forms F216C, F264C.
Identifiers: ClinVar variation 1059340 (VCV001059340.9), dbSNP rs2126567940, ClinGen allele CA359011579.
Genomic context (GRCh38, chr5:230,896, plus strand): 5'-TGGGCCGCTGTGTGCAGTCACTGCTCTCTATTGTTTCCAGAGGCTACGGGCGCACCTACT[T>G]CAGCTGCACGTCTGCCCACACCAGCACTGGCGACGGCACGGCCATGATCACCAGGGCAGG-3'
Protein context (NP_004159.2, residues 254-274): VATGGYGRTY[Phe264Cys]SCTSAHTSTG

ClinVar aggregate classification (germline): Uncertain significance (1 of 4 stars; one submission).

Conditions:
Mitochondrial complex II deficiency, nuclear type 1. Also called: SUCCINATE CoQ REDUCTASE DEFICIENCY. Identifiers: Orphanet 3208, MedGen C5700310, MONDO:0100294, OMIM 252011.
Pheochromocytoma/paraganglioma syndrome 5. Also called: Paragangliomas 5; SDHA-Related Hereditary Paraganglioma-Pheochromocytoma Syndrome. Identifiers: Orphanet 29072, MedGen C3279992, MONDO:0013602, OMIM 614165.

Submission:

Labcorp Genetics (formerly Invitae), Labcorp
Classification: Uncertain significance for Pheochromocytoma/paraganglioma syndrome 5; Mitochondrial complex II deficiency, nuclear type 1. Last evaluated: 2020-08-26. Review status: criteria provided, single submitter. Criteria: Invitae Variant Classification Sherloc (09022015). Collection method: clinical testing. Allele origin: germline.
Comment: This sequence change replaces phenylalanine with cysteine at codon 264 of the SDHA protein (p.Phe264Cys). The phenylalanine residue is highly conserved and there is a large physicochemical difference between phenylalanine and cysteine. This variant is not present in population databases (ExAC no frequency). This variant has not been reported in the literature in individuals with SDHA-related conditions. Algorithms developed to predict the effect of missense changes on protein structure and function (SIFT, PolyPhen-2, Align-GVGD) all suggest that this variant is likely to be disruptive, but these predictions have not been confirmed by published functional studies and their clinical significance is uncertain. In summary, the available evidence is currently insufficient to determine the role of this variant in disease. Therefore, it has been classified as a Variant of Uncertain Significance.